The following is an entry in ClinVar:

NM_014365.3(HSPB8):c.266del (p.Pro89fs)

Gene: HSPB8 (heat shock protein family B (small) member 8; plus strand). Cytogenetic location: 12q24.23.
Variant type: Deletion.
Coding change: c.266del on transcript NM_014365.3 (MANE Select); coding-DNA position 266, one base deleted (C; older notation c.266delC).
Protein change: p.Pro89fs; shifts the reading frame from proline 89.
Molecular consequence: frameshift variant.
Genome position (GRCh38, 1-based): chr12:119,179,578, C deleted; the last of 7 consecutive C bases (chr12:119,179,572-119,179,578); deleting any one gives the same sequence. VCF-style (leftmost placement, unchanged base first): chr12-119179571-AC-A. GRCh37 (hg19) VCF-style: chr12-119617376-AC-A.
Other names: short protein forms P89fs.
Identifiers: ClinVar variation 1956927 (VCV001956927.5), dbSNP rs773017653, ClinGen allele CA482056093.

ClinVar aggregate classification (germline): Uncertain significance (1 of 4 stars; one submission).

Conditions:
Charcot-Marie-Tooth disease axonal type 2L. Also called: Charcot-Marie-Tooth Neuropathy Type 2L; CHARCOT-MARIE-TOOTH DISEASE, AXONAL, AUTOSOMAL DOMINANT, TYPE 2L; CHARCOT-MARIE-TOOTH NEUROPATHY, AXONAL, TYPE 2L. Identifiers: Orphanet 99945, MedGen C1837552, MONDO:0012096, OMIM 608673.

Submission:

Labcorp Genetics (formerly Invitae), Labcorp
Classification: Uncertain significance for Charcot-Marie-Tooth disease axonal type 2L. Last evaluated: 2021-11-29. Review status: criteria provided, single submitter. Criteria: Invitae Variant Classification Sherloc (09022015). Collection method: clinical testing. Allele origin: germline.
Comment: This sequence change creates a premature translational stop signal (p.Pro89Hisfs*12) in the HSPB8 gene. It is expected to result in an absent or disrupted protein product. However, the current clinical and genetic evidence is not sufficient to establish whether loss-of-function variants in HSPB8 cause disease. The frequency data for this variant in the population databases is considered unreliable, as metrics indicate poor data quality at this position in the gnomAD database. This variant has not been reported in the literature in individuals affected with HSPB8-related conditions. In summary, the available evidence is currently insufficient to determine the role of this variant in disease. Therefore, it has been classified as a Variant of Uncertain Significance.